The following is an entry in ClinVar:

ClinVar aggregate classification (germline): Uncertain significance. Review status: criteria provided, multiple submitters, no conflicts (2 of 4 stars). 2 submissions from 2 submitters: Uncertain significance (2). Last evaluated 2025-07-23.

Conditions:
Hypertrophic cardiomyopathy. Also called: HYPERTROPHIC MYOCARDIOPATHY. Identifiers: Orphanet 217569, MedGen C0007194, MeSH D002312, MONDO:0005045, HP:0001639.

Submissions (2):

Labcorp Genetics (formerly Invitae), Labcorp
Classification: Uncertain significance for Hypertrophic cardiomyopathy. Last evaluated: 2025-07-23. Review status: criteria provided, single submitter. Criteria: Invitae Variant Classification Sherloc (09022015). Collection method: clinical testing. Allele origin: germline.
Comment: This sequence change replaces lysine, which is basic and polar, with methionine, which is neutral and non-polar, at codon 835 of the MYH7 protein (p.Lys835Met). This variant is not present in population databases (gnomAD no frequency). This variant has not been reported in the literature in individuals affected with MYH7-related conditions. ClinVar contains an entry for this variant (Variation ID: 228903). Invitae Evidence Modeling of protein sequence and biophysical properties (such as structural, functional, and spatial information, amino acid conservation, physicochemical variation, residue mobility, and thermodynamic stability) indicates that this missense variant is expected to disrupt MYH7 protein function with a positive predictive value of 95%. In summary, the available evidence is currently insufficient to determine the role of this variant in disease. Therefore, it has been classified as a Variant of Uncertain Significance.

Laboratory for Molecular Medicine, Mass General Brigham Personalized Medicine
Classification: Uncertain significance. Last evaluated: 2015-02-26. Review status: criteria provided, single submitter. Criteria: LMM Criteria. Collection method: clinical testing. Allele origin: germline. Observed: 1 variant allele.
Comment: Variant classified as Uncertain Significance - Favor Pathogenic. The p.Lys835Met variant in MYH7 has not been previously reported in individuals with cardiomyop athy or in large population studies. Lysine (Lys) at position 835 is highly cons erved in mammals and across evolutionarily distant species and the change to met hionine (Met) was predicted to be pathogenic using a computational tool clinical ly validated by our laboratory. This tool's pathogenic prediction is estimated t o be correct 94% of the time (Jordan 2011). In summary, while there is some susp icion for a pathogenic role, the clinical significance of the p.Lys835Met varian t is uncertain.

Literature cited by the submitters: PubMed 15940186 (cited by Laboratory for Molecular Medicine, Mass General Brigham Personalized Medicine).

NM_000257.4(MYH7):c.2504A>T (p.Lys835Met)

Genes: MYH7 (myosin heavy chain 7; minus strand), LOC126861898 (BRD4-independent group 4 enhancer GRCh37_chr14:23893609-23894808; plus strand). Cytogenetic location: 14q11.2.
Variant type: single nucleotide variant.
Coding change: c.2504A>T on transcript NM_000257.4 (MANE Select); coding-DNA position 2504, A replaced by T.
Protein change: p.Lys835Met; replaces lysine 835 with methionine.
Molecular consequence: missense variant.
Genome position (GRCh38, 1-based): chr14:23,424,944, T>A on the plus strand (A>T on the coding strand, the complement: MYH7 is on the minus strand). VCF-style: chr14-23424944-T-A. GRCh37 (hg19) VCF-style: chr14-23894153-T-A.
Other names: short protein forms K835M.
Identifiers: ClinVar variation 228903 (VCV000228903.12), dbSNP rs876657880, ClinGen allele CA10576957.